The following is an entry in ClinVar:

ClinVar aggregate classification (germline): Uncertain significance. Review status: criteria provided, multiple submitters, no conflicts (2 of 4 stars). 2 submissions from 2 submitters: Uncertain significance (2). Last evaluated 2025-05-30.

Conditions:
Epilepsy, idiopathic generalized, susceptibility to, 11 (EIG11). Identifiers: Orphanet 307, MedGen C2750893, MONDO:0011875, OMIM 607628.
Familial hyperaldosteronism type II. Also called: FH II. Identifiers: Orphanet 404, MedGen C1854107, MONDO:0011576, OMIM 605635.
Leukoencephalopathy with mild cerebellar ataxia and white matter edema (LKPAT). Also called: CLCN2-Related Leukoencephalopathy; Leukoencephalopathy with ataxia; Leukoencephalopathy with white matter edema; Brain white matter edema. Identifiers: Orphanet 363540, MedGen C4554120, MONDO:0014292, OMIM 615651. Disease mechanism: loss of function.

Allele frequency attached by ClinVar (database versions not stated): gnomAD exomes 0.00002 and 0.00004; ExAC 0.00003; TOPMed 0.00005; gnomAD 0.00006; ESP Exome Variant Server 0.00008.

Submissions (2):

Women's Health and Genetics/Laboratory Corporation of America, LabCorp
Classification: Uncertain significance. Last evaluated: 2025-05-30. Review status: criteria provided, single submitter. Criteria: LabCorp Variant Classification Summary - May 2015. Collection method: clinical testing. Allele origin: germline.
Comment: Variant summary: CLCN2 c.2156C>T (p.Ser719Leu) results in a non-conservative amino acid change in the encoded protein sequence. Algorithms developed to predict the effect of missense changes on protein structure and function are either unavailable or do not agree on the potential impact of this missense change. The variant allele was found at a frequency of 2.7e-05 in 1606120 control chromosomes (i.e. in 44 carriers) in the gnomAD database (v4.1 dataset). The occurrence in several carriers suggests that the variant is not causal for a dominant, high penetrance, early onset disease phenotype. EEG studies performed on the mother showed bursts of phantom sharps and waves during hyperventilation, so the possibility of a subclinical presentation in the mother cannot be excluded based on the reported findings (Combi_2009). This report has since been cited by others (Wei_2017). These data do not allow any conclusion about variant significance. To our knowledge, no experimental evidence demonstrating an impact on protein function has been reported. ClinVar contains an entry for this variant (Variation ID: 1683303). Based on the evidence outlined above, the variant was classified as uncertain significance.

Fulgent Genetics
Classification: Uncertain significance for Familial hyperaldosteronism type II; Epilepsy, idiopathic generalized, susceptibility to, 11; Leukoencephalopathy with mild cerebellar ataxia and white matter edema. Last evaluated: 2022-05-18. Review status: criteria provided, single submitter. Criteria: ACMG Guidelines, 2015. Collection method: clinical testing. Allele origin: unknown.

Literature cited by the submitters: PubMed 19200853 (cited by Women's Health and Genetics/Laboratory Corporation of America, LabCorp); PubMed 28488083 (cited by Women's Health and Genetics/Laboratory Corporation of America, LabCorp).

NM_004366.6(CLCN2):c.2156C>T (p.Ser719Leu)

Gene: CLCN2 (chloride voltage-gated channel 2; minus strand). Cytogenetic location: 3q27.1.
Variant type: single nucleotide variant.
Coding change: c.2156C>T on transcript NM_004366.6 (MANE Select); coding-DNA position 2156, C replaced by T.
Protein change: p.Ser719Leu; replaces serine 719 with leucine.
Molecular consequence: missense variant.
Genome position (GRCh38, 1-based): chr3:184,352,798, G>A on the plus strand (C>T on the coding strand, the complement: CLCN2 is on the minus strand). VCF-style: chr3-184352798-G-A. GRCh37 (hg19) VCF-style: chr3-184070586-G-A.
Other names: c.2105C>T, p.Ser702Leu (NM_001171087.3); c.2024C>T, p.Ser675Leu (NM_001171088.3); c.2156C>T, p.Ser719Leu (NM_001171089.3); short protein forms S675L, S702L, S719L.
Identifiers: ClinVar variation 1683303 (VCV001683303.3), dbSNP rs138573287, ClinGen allele CA2733819.
Genomic context (GRCh38, chr3:184,352,798, plus strand): 5'-TCCGAAGCAGCCTCAGGGGGTGGACTGCCACAGAAGAGGCTCCGGAGGGCGATGCCTGCC[G>A]ACTCTGCGCTCCCTGTGTTCCCAAACATAAGGCCCCAGGGGGCAATGTCATCTTTTGGGG-3'
Protein context (NP_004357.3, residues 709-729): LGESPTGSAE[Ser719Leu]AGIALRSLFC